The following is an entry in ClinVar:

NM_001256789.3(CACNA1F):c.199C>T (p.Arg67Trp)

Gene: CACNA1F (calcium voltage-gated channel subunit alpha1 F; minus strand). Cytogenetic location: Xp11.23.
Variant type: single nucleotide variant.
Coding change: c.199C>T on transcript NM_001256789.3 (MANE Select); coding-DNA position 199, C replaced by T.
Protein change: p.Arg67Trp; replaces arginine 67 with tryptophan.
Molecular consequence: missense variant. On other transcripts: intron variant (1).
Genome position (GRCh38, 1-based): chrX:49,231,754, G>A on the plus strand (C>T on the coding strand, the complement: CACNA1F is on the minus strand). VCF-style: chrX-49231754-G-A. GRCh37 (hg19) VCF-style: chrX-49088216-G-A.
Other names: c.199C>T, p.Arg67Trp (NM_005183.4); c.66-62C>T (NM_001256790.3); short protein forms R67W.
Identifiers: ClinVar variation 1008093 (VCV001008093.6), dbSNP rs200079715, ClinGen allele CA10411121.

ClinVar aggregate classification (germline): Uncertain significance (1 of 4 stars; one submission).

Allele frequency attached by ClinVar (database versions not stated): TOPMed 0.00001; gnomAD exomes 0.00002 and 0.00004; ExAC 0.00006; gnomAD 0.00006.

Submission:

Labcorp Genetics (formerly Invitae), Labcorp
Classification: Uncertain significance. Last evaluated: 2024-12-10. Review status: criteria provided, single submitter. Criteria: Invitae Variant Classification Sherloc (09022015). Collection method: clinical testing. Allele origin: germline.
Comment: This sequence change replaces arginine, which is basic and polar, with tryptophan, which is neutral and slightly polar, at codon 67 of the CACNA1F protein (p.Arg67Trp). This variant is present in population databases (rs200079715, gnomAD 0.02%). This missense change has been observed in individual(s) with clinical features of CACNA1F-related conditions (internal data). ClinVar contains an entry for this variant (Variation ID: 1008093). An algorithm developed to predict the effect of missense changes on protein structure and function (PolyPhen-2) suggests that this variant is likely to be disruptive. In summary, the available evidence is currently insufficient to determine the role of this variant in disease. Therefore, it has been classified as a Variant of Uncertain Significance.